The following is an entry in ClinVar:

NM_000051.4(ATM):c.6779T>G (p.Ile2260Arg)

Genes: ATM (ATM serine/threonine kinase; plus strand), C11orf65 (chromosome 11 open reading frame 65; minus strand). Cytogenetic location: 11q22.3.
Variant type: single nucleotide variant.
Coding change: c.6779T>G on transcript NM_000051.4 (MANE Select); coding-DNA position 6779, T replaced by G.
Protein change: p.Ile2260Arg; replaces isoleucine 2260 with arginine.
Molecular consequence: missense variant. On other transcripts: intron variant (2).
Genome position (GRCh38, 1-based): chr11:108,325,516, T>G. VCF-style: chr11-108325516-T-G. GRCh37 (hg19) VCF-style: chr11-108196243-T-G.
Other names: c.6779T>G, p.Ile2260Arg (NM_001351834.2); c.641-16445A>C (NM_001330368.2); c.*38+9704A>C (NM_001351110.2); short protein forms I2260R.
Identifiers: ClinVar variation 2453926 (VCV002453926.2), dbSNP rs2136317863, ClinGen allele CA382555456.

ClinVar aggregate classification (germline): Uncertain significance (1 of 4 stars; one submission).

Conditions:
Hereditary cancer-predisposing syndrome. Also called: Tumor predisposition; Hereditary Cancer Syndrome; Hereditary neoplastic syndrome; Neoplastic Syndromes, Hereditary. Identifiers: Orphanet 140162, MedGen C0027672, MeSH D009386, MONDO:0015356.

Submission:

Ambry Genetics
Classification: Uncertain significance for Hereditary cancer-predisposing syndrome. Last evaluated: 2022-11-13. Review status: criteria provided, single submitter. Criteria: Ambry Variant Classification Scheme 2023. Collection method: clinical testing. Allele origin: germline.
Comment: The p.I2260R variant (also known as c.6779T>G), located in coding exon 45 of the ATM gene, results from a T to G substitution at nucleotide position 6779. The isoleucine at codon 2260 is replaced by arginine, an amino acid with similar properties. This amino acid position is conserved. In addition, this alteration is predicted to be tolerated by in silico analysis. Since supporting evidence is limited at this time, the clinical significance of this alteration remains unclear.